The following is an entry in ClinVar:

ClinVar aggregate classification (germline): Benign. Review status: criteria provided, single submitter (1 of 4 stars). 2 submissions from 2 submitters: Benign (1). 1 of the submissions does not count toward it. Last evaluated 2026-09-01.

Conditions:
CAPN15-related disorder. Also called: CAPN15-related condition.

Allele frequency attached by ClinVar (database versions not stated): ESP Exome Variant Server 0.00566; 1000 Genomes Project 0.00579; 1000 Genomes Project 30x 0.00625; ExAC 0.00801.

Submissions (2):

CeGaT Center for Human Genetics Tuebingen
Classification: Benign. Last evaluated: 2026-09-01. Review status: criteria provided, single submitter. Criteria: CeGaT Center For Human Genetics Tuebingen Variant Classification Criteria Version 2. Collection method: clinical testing. Allele origin: germline. Affected: yes. Observed: 14 variant alleles.
Comment: CAPN15: BP4, BP7, BS1, BS2

PreventionGenetics, part of Exact Sciences
Classification: Benign for CAPN15-related condition. Last evaluated: 2019-05-14. Review status: no assertion criteria provided. Collection method: clinical testing. Allele origin: germline. Not counted in ClinVar's aggregate classification.
Comment: This variant is classified as benign based on ACMG/AMP sequence variant interpretation guidelines (Richards et al. 2015 PMID: 25741868, with internal and published modifications).

NM_005632.3(CAPN15):c.2637C>T (p.Phe879=)

Gene: CAPN15 (calpain 15; plus strand). Cytogenetic location: 16p13.3.
Variant type: single nucleotide variant.
Coding change: c.2637C>T on transcript NM_005632.3 (MANE Select); coding-DNA position 2637, C replaced by T.
Protein change: p.Phe879=; no amino-acid change (phenylalanine 879 retained).
Molecular consequence: synonymous variant.
Genome position (GRCh38, 1-based): chr16:552,430, C>T. VCF-style: chr16-552430-C-T. GRCh37 (hg19) VCF-style: chr16-602430-C-T.
Other names: c.2637C>T (NM_005632.2).
Identifiers: ClinVar variation 2645815 (VCV002645815.25), dbSNP rs148358614, ClinGen allele CA7778860.